The following is an entry in ClinVar:

NM_001110556.2(FLNA):c.3557C>T (p.Ser1186Leu)

Gene: FLNA (filamin A; minus strand). Cytogenetic location: Xq28.
Variant type: single nucleotide variant.
Coding change: c.3557C>T on transcript NM_001110556.2 (MANE Select); coding-DNA position 3557, C replaced by T.
Protein change: p.Ser1186Leu; replaces serine 1186 with leucine.
Molecular consequence: missense variant.
Genome position (GRCh38, 1-based): chrX:154,360,238, G>A on the plus strand (C>T on the coding strand, the complement: FLNA is on the minus strand). VCF-style: chrX-154360238-G-A. GRCh37 (hg19) VCF-style: chrX-153588606-G-A.
Other names: c.3557C>T, p.Ser1186Leu (NM_001456.4); short protein forms S1186L.
Identifiers: ClinVar variation 11761 (VCV000011761.17), dbSNP rs137853312, ClinGen allele CA256058.
Genomic context (GRCh38, chrX:154,360,238, plus strand): 5'-TCGGCCGGAAGCCCCGCCTCCGAGCAGATCTCAATGGTCAGCTCCGCGCTGCCCGCGCTC[G>A]AGCAGTCCACTTGGAATTGGCCCACCTCCCCAGCGGTGGCCCGCTCCAGCCCGGGGCCTG-3'
Protein context (NP_001104026.1, residues 1176-1196): GEVGQFQVDC[Ser1186Leu]SAGSAELTIE

ClinVar aggregate classification (germline): Pathogenic/Likely pathogenic. Review status: criteria provided, multiple submitters, no conflicts (2 of 4 stars). 8 submissions from 8 submitters: Pathogenic (5); Likely pathogenic (2). 1 of the submissions does not count toward it. Last evaluated 2026-04-08.

Conditions:
Melnick-Needles syndrome (MNS). Also called: Melnick-Needles Syndrome (FLNA-MNS); MELNICK-NEEDLES OSTEODYSPLASTY; OSTEODYSPLASTY OF MELNICK AND NEEDLES. Identifiers: Orphanet 2484, MedGen C0025237, MONDO:0010650, OMIM 309350.
Heterotopia, periventricular, X-linked dominant (PVNH1). Also called: X-linked periventricular heterotopia; PERIVENTRICULAR NODULAR HETEROTOPIA 4; HETEROTOPIA, PERIVENTRICULAR, 1; PERIVENTRICULAR NODULAR HETEROTOPIA 1. Identifiers: Orphanet 2149, Orphanet 82004, MedGen C1848213, MONDO:0010233, OMIM 300049.
Oto-palato-digital syndrome, type II (OPD2). Also called: FACIOPALATOOSSEOUS SYNDROME; Otopalatodigital Syndrome, Type II; Otopalatodigital Syndrome Type 2 (FLNA-OPD2); OPD II SYNDROME. Identifiers: Orphanet 669, Orphanet 90652, MedGen C1844696, MONDO:0010571, OMIM 304120.
Frontometaphyseal dysplasia (FMD1). Identifiers: Orphanet 1826, MedGen C0265293, MONDO:0015942.
Frontometaphyseal dysplasia 1 (FMD1). Also called: Frontometaphyseal Dysplasia (FLNA-FMD). Identifiers: Orphanet 1826, MedGen C4281559, MONDO:0024550, OMIM 305620.
FLNA-related disorder.

Allele frequency attached by ClinVar (database versions not stated): TOPMed below 0.00001; gnomAD 0.00001.
gnomAD v4.1: 1 of 1,210,943 alleles (0.000083%); highest among the groups gnomAD compares: Non-Finnish European, 0.00011%; no homozygotes.

Submissions (8):

Victorian Clinical Genetics Services, Murdoch Childrens Research Institute
Classification: Pathogenic for Frontometaphyseal dysplasia 1. Last evaluated: 2026-04-08. Review status: criteria provided, single submitter. Criteria: ACMG Guidelines, 2015. Collection method: clinical testing. Allele origin: germline. Affected: yes.
Comment: This variant is classified as Pathogenic. Evidence in support of pathogenic classification: Variant is present in gnomAD <0.01 (v4: 1 heterozygote(s), 0 homozygote(s), 0 hemizygote(s)); This variant has strong previous evidence of pathogenicity in unrelated individuals. It has been classified as pathogenic and likely pathogenic by mulitple clinical laboratories (ClinVar) and has been reported in hemizygous males affected with frontometaphyseal dysplasia (PMID: 16835913, 27193221, 34277511); Missense variant predicted to be damaging by in silico tool(s) or highly conserved with a major amino acid change. Additional information: Variant is predicted to result in a missense amino acid change from Ser to Leu; This variant is hemizygous; This gene is associated with both X-linked recessive and dominant disease (OMIM); Variant is located in the annotated filamin/ABP280 repeat (DECIPHER); Loss of function and gain of function are known mechanisms of disease in this gene. Loss of function variants are reported to cause periventricular nodular heterotopia, X-linked cardiac valvular dystrophy and gastrointestinal diseases, whereas gain of function missense variants and small in-frame deletions lead to the otopalatodigital spectrum of disease. X-linked cardiac valvular dystrophy is caused by mostly missense or splice variants in filamin repeats 1, 4, 5, 6 and 7 (PMID: 30089473).

Labcorp Genetics (formerly Invitae), Labcorp
Classification: Pathogenic for Oto-palato-digital syndrome, type II; Heterotopia, periventricular, X-linked dominant; Frontometaphyseal dysplasia; Melnick-Needles syndrome. Last evaluated: 2025-08-18. Review status: criteria provided, single submitter. Criteria: Invitae Variant Classification Sherloc (09022015). Collection method: clinical testing. Allele origin: germline.
Comment: This sequence change replaces serine, which is neutral and polar, with leucine, which is neutral and non-polar, at codon 1186 of the FLNA protein (p.Ser1186Leu). This variant is not present in population databases (gnomAD no frequency). This missense change has been observed in individual(s) with frontometaphyseal dysplasia (PMID: 15523633, 16596676, 16835913). In at least one individual the variant was observed to be de novo. ClinVar contains an entry for this variant (Variation ID: 11761). Invitae Evidence Modeling of protein sequence and biophysical properties (such as structural, functional, and spatial information, amino acid conservation, physicochemical variation, residue mobility, and thermodynamic stability) indicates that this missense variant is not expected to disrupt FLNA protein function with a negative predictive value of 95%. For these reasons, this variant has been classified as Pathogenic.

3billion
Classification: Pathogenic for Oto-palato-digital syndrome, type II. Last evaluated: 2022-03-22. Review status: criteria provided, single submitter. Criteria: ACMG Guidelines, 2015. Collection method: clinical testing. Allele origin: germline. Affected: yes. Observed: 1 hemizygote.
Comment: Same nucleotide change resulting in same amino acid change has been previously reported as pathogenic/likely pathogenic with strong evidence (ClinVar ID: VCV000011761, PMID:12612583). The variant has been observed in multiple (>3) similarly affected unrelated individuals (PMID: 16835913, 16596676). In silico tool predictions suggest damaging effect of the variant on gene or gene product (REVEL: 0.709>=0.6). It is not observed in the gnomAD v2.1.1 dataset. Therefore, this variant is classified as pathogenic according to the recommendation of ACMG/AMP guideline.

Blueprint Genetics
Classification: Pathogenic for FLNA-related disorders. Last evaluated: 2021-07-15. Review status: criteria provided, single submitter. Criteria: ACMG Guidelines, 2015. Collection method: clinical testing. Allele origin: germline. Affected: yes. Observed: 1 variant allele.

GeneDx
Classification: Likely pathogenic. Last evaluated: 2015-11-01. Review status: criteria provided, single submitter. Criteria: GeneDx Variant Classification (06012015). Collection method: clinical testing. Allele origin: germline. Affected: yes.
Comment: The S1186L variant in the FLNA gene has been reported previously in at least three unrelated male probands with frontometaphyseal dysplasia (Robertson et al., 2003; Giuliano et al., 2005; Zenker et al., 2006). The mothers of two of the probands shared the features of prominent brow and hypertelorism, and were less severely affected than their sons, presumably due to skewed X-inactivation (Giuliano et al., 2005; Zenker et al., 2006). The S1186L variant is noted to segregate only with a FMD presentation in contrast to other FLNA variants where the same variant may present with different FLNA-related phenotypes (Zenker et al., 2006). The S1186L variant was not observed in approximately 6500 individuals of European and African American ancestry in the NHLBI Exome Sequencing Project, indicating it is not a common benign variant in these populations. The S1186L variant is a non-conservative amino acid substitution, which is likely to impact secondary protein structure as these residues differ in polarity, charge, size and/or other properties. This substitution occurs at a position where amino acids with similar properties to Serine are tolerated across species. In silico analysis predicts this variant is probably damaging to the protein structure/function. Missense variants in nearby residues (D1184E, A1188T) have been reported in the Human Gene Mutation Database in association with Melnick-Needles syndrome (Stenson et al., 2014), supporting the functional importance of this region of the protein. The S1186L variant is a strong candidate for a pathogenic variant, however the possibility it may be a rare benign variant cannot be excluded.

Claritas Genomics
Classification: Pathogenic for Frontometaphyseal dysplasia. Last evaluated: 2009-12-07. Review status: criteria provided, single submitter. Criteria: ACMG Guidelines, 2007. Collection method: clinical testing. Allele origin: germline. Inheritance: X-linked inheritance.

Juno Genomics, Hangzhou Juno Genomics, Inc
Classification: Likely pathogenic for Frontometaphyseal dysplasia 1. Review status: criteria provided, single submitter. Criteria: ACMG Guidelines, 2015. Collection method: clinical testing. Allele origin: germline. Affected: yes.
Comment: Absent from controls (or at extremely low frequency if recessive) in Genome Aggregation Database, Exome Sequencing Project, 1000 Genomes Project, or Exome Aggregation Consortium.;Multiple lines of computational evidence support a deleterious effect on the gene or gene product (conservation, evolutionary, splicing impact, etc).;The prevalence of the variant in affected individuals is significantly increased compared to the prevalence in controls.;Co-segregation with disease in multiple affected family members in a gene definitively known to cause the disease.;Assumed de novo, but without confirmation of paternity and maternity.;Patient's phenotype or family history is highly specific for a disease with a single genetic etiology.

OMIM
Classification: Pathogenic for FRONTOMETAPHYSEAL DYSPLASIA 1. Last evaluated: 2006-05-15. Review status: no assertion criteria provided. Collection method: literature only. Allele origin: germline. Not counted in ClinVar's aggregate classification.

Literature cited by the submitters: PubMed 34277511 (cited by Victorian Clinical Genetics Services, Murdoch Childrens Research Institute); PubMed 27193221 (cited by Victorian Clinical Genetics Services, Murdoch Childrens Research Institute); PubMed 16835913 (cited by 3 submitters); PubMed 30089473 (cited by Victorian Clinical Genetics Services, Murdoch Childrens Research Institute); PubMed 15523633 (cited by Labcorp Genetics (formerly Invitae), Labcorp and OMIM); PubMed 16596676 (cited by 3 submitters); PubMed 12612583 (cited by 3billion); PubMed 15917206 (cited by OMIM); PubMed 9071288 (cited by OMIM); PubMed 33372358 (cited by OMIM).